The following is an entry in ClinVar:

ClinVar aggregate classification (germline): Pathogenic/Likely pathogenic. Review status: criteria provided, multiple submitters, no conflicts (2 of 4 stars). 2 submissions from 2 submitters: Pathogenic (1); Likely pathogenic (1). Last evaluated 2025-07-29.

Conditions:
Congenital myotonia, autosomal recessive form. Also called: BECKER DISEASE; Becker Generalized Myotonia; myotonia congenita, autosomal recessive. Identifiers: Orphanet 614, MedGen C0751360, MONDO:0009715, OMIM 255700.
Congenital myotonia, autosomal dominant form (THD). Also called: THOMSEN DISEASE; Myotonia congenita autosomal dominant. Identifiers: Orphanet 614, MedGen C2936781, MONDO:0008055, OMIM 160800.

Submissions (2):

Labcorp Genetics (formerly Invitae), Labcorp
Classification: Pathogenic for Congenital myotonia, autosomal recessive form; Congenital myotonia, autosomal dominant form. Last evaluated: 2025-07-29. Review status: criteria provided, single submitter. Criteria: Invitae Variant Classification Sherloc (09022015). Collection method: clinical testing. Allele origin: germline.
Comment: This sequence change creates a premature translational stop signal (p.Gly233Alafs*35) in the CLCN1 gene. It is expected to result in an absent or disrupted protein product. Loss-of-function variants in CLCN1 are known to be pathogenic (PMID: 17932099, 22094069, 23739125). This variant is present in population databases (no rsID available, gnomAD 0.008%). This premature translational stop signal has been observed in individual(s) with CLCN1-related conditions (internal data). ClinVar contains an entry for this variant (Variation ID: 447069). Algorithms developed to predict the effect of sequence changes on RNA splicing suggest that this variant may disrupt the consensus splice site. For these reasons, this variant has been classified as Pathogenic.

Athena Diagnostics
Classification: Likely pathogenic. Last evaluated: 2016-10-28. Review status: criteria provided, single submitter. Criteria: Athena Diagnostics Criteria. Collection method: clinical testing. Allele origin: germline.

Literature cited by the submitters: PubMed 17932099 (cited by Labcorp Genetics (formerly Invitae), Labcorp); PubMed 22094069 (cited by Labcorp Genetics (formerly Invitae), Labcorp); PubMed 23739125 (cited by Labcorp Genetics (formerly Invitae), Labcorp).

NC_000007.14:g.143323310del

Gene: CLCN1 (chloride voltage-gated channel 1; plus strand). Cytogenetic location: 7q34.
Variant type: Deletion.
Genome position: GRCh38 VCF-style: chr7-143323307-AG-A. GRCh37 (hg19) VCF-style: chr7-143020400-AG-A.
Identifiers: ClinVar variation 447069 (VCV000447069.10), dbSNP rs1423567292, ClinGen allele CA578444646.